The following is an entry in ClinVar:

NM_001256545.2(MEGF10):c.*3847G>T

Gene: MEGF10 (multiple EGF like domains 10; plus strand). Cytogenetic location: 5q23.2.
Variant type: single nucleotide variant.
Coding change: c.*3847G>T on transcript NM_001256545.2 (MANE Select); 3847 bases downstream of the stop codon, G replaced by T.
Molecular consequence: 3 prime UTR variant.
Genome position (GRCh38, 1-based): chr5:127,461,165, G>T. VCF-style: chr5-127461165-G-T. GRCh37 (hg19) VCF-style: chr5-126796857-G-T.
Other names: c.*3847G>T (NM_032446.3).
Identifiers: ClinVar variation 1173090 (VCV001173090.4), dbSNP rs539314216, ClinGen allele CA126957202.

ClinVar aggregate classification (germline): Uncertain significance (1 of 4 stars; one submission).

Conditions:
MEGF10-related myopathy (CMYO10A). Also called: Congenital myopathy 10A, severe variant. Identifiers: Orphanet 439212, MedGen C3280679, MONDO:0013731, OMIM 614399.

Allele frequency attached by ClinVar (database versions not stated): gnomAD 0.00001 and 0.00029; 1000 Genomes Project 30x 0.00094; 1000 Genomes Project 0.00120.
gnomAD v4.1: 44 of 152,202 alleles (0.029%); highest among the groups gnomAD compares: South Asian, 0.87%; no homozygotes.

Submission:

Diagnostics Services (NGS), CSIR - Centre For Cellular And Molecular Biology
Classification: Uncertain significance for MEGF10-related myopathy. Last evaluated: 2021-02-01. Review status: criteria provided, single submitter. Criteria: ACMG Guidelines, 2015. Collection method: clinical testing. Allele origin: unknown. Inheritance: Autosomal recessive inheritance. Affected: yes. Observed: 1 variant allele, 1 compound heterozygote.
Comment: The c.*3847G>T variant is a non-coding variant, present at the 3'-UTR region of MEGF10 gene. The variant is not present in publicly available population databases like EVS, ExAC or in our in-house exome database. The heterozygous state of the variant is present in 1000 Genomes and gnomAD at a very low frequency. The variant has not been previously reported to ClinVar, HGMD or OMIM databases. In-silico pathogenicity prediction program CADD predicted this variant to be likely deleterious. However there are no proven or established functional studies present to prove its pathogenicity. Due to lack of enough evidence the variant has been classified as uncertain significance.